The following is an entry in ClinVar:

NM_001556.3(IKBKB):c.1986T>C (p.Cys662=)

Gene: IKBKB (inhibitor of nuclear factor kappa B kinase subunit beta; plus strand). Cytogenetic location: 8p11.21.
Variant type: single nucleotide variant.
Coding change: c.1986T>C on transcript NM_001556.3 (MANE Select); coding-DNA position 1986, T replaced by C.
Protein change: p.Cys662=; no amino-acid change (cysteine 662 retained).
Molecular consequence: synonymous variant. On other transcripts: non-coding transcript variant (3).
Genome position (GRCh38, 1-based): chr8:42,322,494, T>C. VCF-style: chr8-42322494-T-C. GRCh37 (hg19) VCF-style: chr8-42180012-T-C.
Other names: c.1794T>C, p.Cys598= (NM_001190720.3); c.1809T>C, p.Cys603= (NM_001242778.2).
Identifiers: ClinVar variation 838080 (VCV000838080.7), dbSNP rs1302408676, ClinGen allele CA4732155.

ClinVar aggregate classification (germline): Uncertain significance (1 of 4 stars; one submission).

Conditions:
Severe combined immunodeficiency due to IKK2 deficiency. Also called: Immunodeficiency 15; IMMUNODEFICIENCY 15B. Identifiers: Orphanet 397787, MedGen C4747743, MONDO:0014267, OMIM 615592.

Allele frequency attached by ClinVar (database versions not stated): gnomAD 0.00001; TOPMed 0.00002; gnomAD exomes 0.00004; ExAC 0.00005.
gnomAD v4.1: 65 of 1,613,642 alleles (0.004%); highest among the groups gnomAD compares: Non-Finnish European, 0.0051%; no homozygotes.

Submission:

Labcorp Genetics (formerly Invitae), Labcorp
Classification: Uncertain significance for Severe combined immunodeficiency due to IKK2 deficiency. Last evaluated: 2025-04-07. Review status: criteria provided, single submitter. Criteria: Invitae Variant Classification Sherloc (09022015). Collection method: clinical testing. Allele origin: germline.
Comment: This sequence change affects codon 662 of the IKBKB mRNA. It is a 'silent' change, meaning that it does not change the encoded amino acid sequence of the IKBKB protein. It affects a nucleotide within the consensus splice site. This variant is present in population databases (no rsID available, gnomAD 0.007%). This variant has not been reported in the literature in individuals affected with IKBKB-related conditions. ClinVar contains an entry for this variant (Variation ID: 838080). Algorithms developed to predict the effect of sequence changes on RNA splicing suggest that this variant may create or strengthen a splice site. In summary, the available evidence is currently insufficient to determine the role of this variant in disease. Therefore, it has been classified as a Variant of Uncertain Significance.